The following is an entry in ClinVar:

ClinVar aggregate classification (germline): Pathogenic (0 of 4 stars; one submission).

Submission:

GenMed Metabolism Lab
Classification: Pathogenic. Review status: no assertion criteria provided. Collection method: not provided. Allele origin: unknown.
Comment: p.Leu95Ser, Late
ClinVar note: Converted during submission from pathogenic to Pathogenic.

NM_000531.6(OTC):c.284T>C (p.Leu95Ser)

Gene: OTC (ornithine transcarbamylase; plus strand). Cytogenetic location: Xp11.4.
Variant type: single nucleotide variant.
Coding change: c.284T>C on transcript NM_000531.6 (MANE Select); coding-DNA position 284, T replaced by C.
Protein change: p.Leu95Ser; replaces leucine 95 with serine.
Molecular consequence: missense variant.
Genome position (GRCh38, 1-based): chrX:38,369,863, T>C. VCF-style: chrX-38369863-T-C. GRCh37 (hg19) VCF-style: chrX-38229116-T-C.
Other names: short protein forms L95S.
Identifiers: ClinVar variation 97156 (VCV000097156.2), dbSNP rs72554346, ClinGen allele CA224538.
Genomic context (GRCh38, chrX:38,369,863, plus strand): 5'-CTTTATTGCAAGGGAAGTCCTTAGGCATGATTTTTGAGAAAAGAAGTACTCGAACAAGAT[T>C]GTCTACAGAAACAGGTAAGTCCACTGCCAAATTCACACTTGTGTTGAAGAGAGGGATTGA-3'
Protein context (NP_000522.3, residues 85-105): IFEKRSTRTR[Leu95Ser]STETGFALLG